The following is an entry in ClinVar:

ClinVar aggregate classification (germline): Likely benign (0 of 4 stars; one submission).

Conditions:
FBXL4-related disorder. Also called: FBXL4-related condition.

Allele frequency attached by ClinVar (database versions not stated): TOPMed below 0.00001; gnomAD exomes 0.00001.
gnomAD v4.1: 12 of 1,611,824 alleles (0.00074%); highest among the groups gnomAD compares: Non-Finnish European, 0.00093%; no homozygotes.

Submission:

PreventionGenetics, part of Exact Sciences
Classification: Likely benign for FBXL4-related condition. Last evaluated: 2019-08-08. Review status: no assertion criteria provided. Collection method: clinical testing. Allele origin: germline.
Comment: This variant is classified as likely benign based on ACMG/AMP sequence variant interpretation guidelines (Richards et al. 2015 PMID: 25741868, with internal and published modifications).

NM_001278716.2(FBXL4):c.1390-9G>A

Gene: FBXL4 (F-box and leucine rich repeat protein 4; minus strand). Cytogenetic location: 6q16.1.
Variant type: single nucleotide variant.
Coding change: c.1390-9G>A on transcript NM_001278716.2 (MANE Select); 9 bases into the intron before coding-DNA position 1390, G replaced by A.
Molecular consequence: intron variant.
Genome position (GRCh38, 1-based): chr6:98,875,736, C>T on the plus strand (G>A on the coding strand, the complement: FBXL4 is on the minus strand). VCF-style: chr6-98875736-C-T. GRCh37 (hg19) VCF-style: chr6-99323612-C-T.
Other names: c.1390-9G>A (NM_012160.5).
Identifiers: ClinVar variation 3034974 (VCV003034974.2), dbSNP rs944078534, ClinGen allele CA16021082.
Genomic context (GRCh38, chr6:98,875,736, plus strand): 5'-GTTTTTTACACTTGGCTCCTATCATGCTAGCTATCACATCATAGTCTTCAATCTGGAAAT[C>T]AAATAATTCCAATCTTTTACATGTTATGCTCAGACATGCAAACTGTTTAGAGTAAGTCAG-3'